The following is an entry in ClinVar:

ClinVar aggregate classification (germline): Uncertain significance (1 of 4 stars; one submission).

Conditions:
Norman-Roberts syndrome (LIS2). Also called: Lissencephaly 2 (Norman-Roberts type). Identifiers: Orphanet 89844, MedGen C0796089, MONDO:0009760, OMIM 257320.
Familial temporal lobe epilepsy 7. Identifiers: Orphanet 101046, MedGen C4225327, MONDO:0014639, OMIM 616436.

gnomAD v4.1: 8 of 1,614,114 alleles (0.0005%); highest among the groups gnomAD compares: Non-Finnish European, 0.00068%; no homozygotes.

Submission:

Labcorp Genetics (formerly Invitae), Labcorp
Classification: Uncertain significance for Familial temporal lobe epilepsy 7; Norman-Roberts syndrome. Last evaluated: 2022-07-23. Review status: criteria provided, single submitter. Criteria: Invitae Variant Classification Sherloc (09022015). Collection method: clinical testing. Allele origin: germline.
Comment: In summary, the available evidence is currently insufficient to determine the role of this variant in disease. Therefore, it has been classified as a Variant of Uncertain Significance. Algorithms developed to predict the effect of missense changes on protein structure and function are either unavailable or do not agree on the potential impact of this missense change (SIFT: "Deleterious"; PolyPhen-2: "Probably Damaging"; Align-GVGD: "Class C0"). This variant has not been reported in the literature in individuals affected with RELN-related conditions. This variant is present in population databases (rs780883877, gnomAD 0.002%). This sequence change replaces glycine, which is neutral and non-polar, with cysteine, which is neutral and slightly polar, at codon 2254 of the RELN protein (p.Gly2254Cys).

NM_005045.4(RELN):c.6760G>T (p.Gly2254Cys)

Gene: RELN (reelin; minus strand). Cytogenetic location: 7q22.1.
Variant type: single nucleotide variant.
Coding change: c.6760G>T on transcript NM_005045.4 (MANE Select); coding-DNA position 6760, G replaced by T.
Protein change: p.Gly2254Cys; replaces glycine 2254 with cysteine.
Molecular consequence: missense variant.
Genome position (GRCh38, 1-based): chr7:103,540,367, C>A on the plus strand (G>T on the coding strand, the complement: RELN is on the minus strand). VCF-style: chr7-103540367-C-A. GRCh37 (hg19) VCF-style: chr7-103180814-C-A.
Other names: c.6760G>T, p.Gly2254Cys (NM_173054.3); short protein forms G2254C.
Identifiers: ClinVar variation 1950691 (VCV001950691.3), dbSNP rs780883877, ClinGen allele CA4420882.
Genomic context (GRCh38, chr7:103,540,367, plus strand): 5'-TGCCCACATTGCTGGAATTGCTGAAAAGGAACTCCTGAAGAAGACTCCACGAGAGGCCAC[C>A]GTTGAGAGAATACTGTAGGAGCACGGGTTGACTCCTGGGGTCAGGAACGCCTTTACCACA-3'
Protein context (NP_005036.2, residues 2244-2264): QPVLLQYSLN[Gly2254Cys]GLSWSLLQEF